The following is an entry in ClinVar:

ClinVar aggregate classification (germline): Pathogenic. Review status: criteria provided, single submitter (1 of 4 stars). 2 submissions from 1 submitter: Pathogenic (2). Last evaluated 2024-10-01.

Conditions:
Cone-rod dystrophy. Also called: Cone-rod degeneration; Cone/cone-rod dystrophy. Identifiers: Orphanet 1872, MedGen C4085590, MONDO:0015993, HP:0000548.
Leber congenital amaurosis (LCA). Also called: Leber's amaurosis. Identifiers: Orphanet 65, MedGen C0339527, MeSH D057130, MONDO:0018998.

Submissions (2):

Lab De Baere, Eye and Developmental Genetics Lab, Ghent University
Classification: Pathogenic for Cone-rod dystrophy. Last evaluated: 2024-10-01. Review status: criteria provided, single submitter. Criteria: ACMG Guidelines, 2015. Collection method: research. Allele origin: inherited. Affected: yes. Observed: 1 variant allele.
Comment: ACMG/AMP guidelines: PM2, PVS1

Lab De Baere, Eye and Developmental Genetics Lab, Ghent University
Classification: Pathogenic for Leber congenital amaurosis. Last evaluated: 2024-10-01. Review status: criteria provided, single submitter. Criteria: ACMG Guidelines, 2015. Collection method: research. Allele origin: inherited. Affected: yes. Observed: 1 variant allele.
Comment: the same text as in the submission from Lab De Baere, Eye and Developmental Genetics Lab, Ghent University above.

NM_201253.3(CRB1):c.958_959delinsACATGTGAG (p.Val320fs)

Gene: CRB1 (crumbs cell polarity complex component 1; plus strand). Cytogenetic location: 1q31.3.
Variant type: Indel.
Coding change: c.958_959delinsACATGTGAG on transcript NM_201253.3 (MANE Select); coding-DNA positions 958 to 959, GT replaced by ACATGTGAG.
Protein change: p.Val320fs; shifts the reading frame from valine 320.
Molecular consequence: frameshift variant. On other transcripts: non-coding transcript variant (2), intron variant (1).
Genome position (GRCh38, 1-based): chr1:197,347,449-197,347,450, GT replaced by ACATGTGAG. VCF-style: chr1-197347449-GT-ACATGTGAG. GRCh37 (hg19) VCF-style: chr1-197316579-GT-ACATGTGAG.
Other names: c.751_752delinsACATGTGAG, p.Val251fs (NM_001257965.2); c.958_959delinsACATGTGAG, p.Val320fs (NM_001257966.2); c.653-9382_653-9381delinsACATGTGAG (NM_001193640.2); short protein forms V320fs, V251fs.
Identifiers: ClinVar variation 3544469 (VCV003544469.1).